The following is an entry in ClinVar:

ClinVar aggregate classification (germline): Uncertain significance (1 of 4 stars; one submission).

Conditions:
Aspartylglucosaminuria (AGU). Also called: AGA DEFICIENCY; GLYCOASPARAGINASE; GLYCOSYLASPARAGINASE DEFICIENCY; Aspartylglucos-aminuria; Aspartylglucos-amidase (AGA) deficiency. Identifiers: Orphanet 93, MedGen C0268225, MONDO:0008830, OMIM 208400, HP:0012068.

gnomAD v4.1: 15 of 1,611,982 alleles (0.00093%); highest among the groups gnomAD compares: Middle Eastern, 0.016%; no homozygotes.

Submission:

Labcorp Genetics (formerly Invitae), Labcorp
Classification: Uncertain significance for Aspartylglucosaminuria. Last evaluated: 2024-03-21. Review status: criteria provided, single submitter. Criteria: Invitae Variant Classification Sherloc (09022015). Collection method: clinical testing. Allele origin: germline.
Comment: This sequence change replaces lysine, which is basic and polar, with arginine, which is basic and polar, at codon 230 of the AGA protein (p.Lys230Arg). This variant is present in population databases (rs778579846, gnomAD 0.01%). This variant has not been reported in the literature in individuals affected with AGA-related conditions. Advanced modeling of protein sequence and biophysical properties (such as structural, functional, and spatial information, amino acid conservation, physicochemical variation, residue mobility, and thermodynamic stability) performed at Invitae indicates that this missense variant is not expected to disrupt AGA protein function with a negative predictive value of 80%. In summary, the available evidence is currently insufficient to determine the role of this variant in disease. Therefore, it has been classified as a Variant of Uncertain Significance.

NM_000027.4(AGA):c.689A>G (p.Lys230Arg)

Gene: AGA (aspartylglucosaminidase; minus strand). Cytogenetic location: 4q34.3.
Variant type: single nucleotide variant.
Coding change: c.689A>G on transcript NM_000027.4 (MANE Select); coding-DNA position 689, A replaced by G.
Protein change: p.Lys230Arg; replaces lysine 230 with arginine.
Molecular consequence: missense variant. On other transcripts: intron variant (1).
Genome position (GRCh38, 1-based): chr4:177,436,285, T>C on the plus strand (A>G on the coding strand, the complement: AGA is on the minus strand). VCF-style: chr4-177436285-T-C. GRCh37 (hg19) VCF-style: chr4-178357439-T-C.
Other names: c.676+13A>G (NM_001171988.2); short protein forms K230R.
Identifiers: ClinVar variation 3705919 (VCV003705919.2).
Genomic context (GRCh38, chr4:177,436,285, plus strand): 5'-GCTCTGCATTCAGTGTATATTTGAGAGCTCTGTTCTTTTGGAAACACTAACCCATGTATT[T>C]TGAATTTTATACCATTTGTAGATGTACCAGCAGCAATATGTCCTGTCTTATGGATTACAA-3'
Protein context (NP_000018.2, residues 220-240): AGTSTNGIKF[Lys230Arg]IHGRVGDSPI